The following is an entry in ClinVar:

NM_005359.6(SMAD4):c.1647A>G (p.Gln549=)

Gene: SMAD4 (SMAD family member 4; plus strand). Cytogenetic location: 18q21.2.
Variant type: single nucleotide variant.
Coding change: c.1647A>G on transcript NM_005359.6 (MANE Select); coding-DNA position 1647, A replaced by G.
Protein change: p.Gln549=; no amino-acid change (glutamine 549 retained).
Molecular consequence: synonymous variant.
Genome position (GRCh38, 1-based): chr18:51,078,455, A>G. VCF-style: chr18-51078455-A-G. GRCh37 (hg19) VCF-style: chr18-48604825-A-G.
Identifiers: ClinVar variation 231980 (VCV000231980.54), dbSNP rs113545983, ClinGen allele CA8966113.

ClinVar aggregate classification (germline): Benign/Likely benign. Review status: criteria provided, multiple submitters, no conflicts (2 of 4 stars). 14 submissions from 14 submitters: Benign (4); Likely benign (10). Last evaluated 2026-08-01.

Conditions:
Juvenile polyposis syndrome (JPS). Identifiers: Orphanet 2929, MedGen C0345893, MONDO:0017380, OMIM 174900.
Familial thoracic aortic aneurysm and aortic dissection (TAAD). Also called: Thoracic aortic aneurysms and dissections. Identifiers: Orphanet 91387, MedGen C4707243, MONDO:0019625.
Hereditary cancer-predisposing syndrome. Also called: Hereditary neoplastic syndrome; Hereditary Cancer Syndrome; Neoplastic Syndromes, Hereditary; Tumor predisposition. Identifiers: Orphanet 140162, MedGen C0027672, MeSH D009386, MONDO:0015356.
Juvenile polyposis/hereditary hemorrhagic telangiectasia syndrome (JPHT). Also called: Juvenile Polyposis Syndrome / Hereditary Hemorrhagic Telangiectasia (JPS/HHT); POLYPOSIS, GENERALIZED JUVENILE, WITH PULMONARY ARTERIOVENOUS MALFORMATION; TELANGIECTASIA, HEREDITARY HEMORRHAGIC, WITH JUVENILE POLYPOSIS COLI; JP/HHT SYNDROME; JUVENILE POLYPOSIS WITH HEREDITARY HEMORRHAGIC TELANGIECTASIA. Identifiers: Orphanet 2929, MedGen C1832942, MONDO:0008278, OMIM 175050.

Allele frequency attached by ClinVar (database versions not stated): ExAC 0.00002; gnomAD exomes 0.00002 and 0.00003; gnomAD 0.00005 and 0.00007; TOPMed 0.00007; ESP Exome Variant Server 0.00015.
gnomAD v4.1: 59 of 1,613,484 alleles (0.0037%); highest among the groups gnomAD compares: Middle Eastern, 0.083%; no homozygotes.

Submissions (14):

CeGaT Center for Human Genetics Tuebingen
Classification: Likely benign. Last evaluated: 2026-08-01. Review status: criteria provided, single submitter. Criteria: CeGaT Center For Human Genetics Tuebingen Variant Classification Criteria Version 2. Collection method: clinical testing. Allele origin: germline. Affected: yes. Observed: 2 variant alleles.
Comment: SMAD4: BP4, BP7

Labcorp Genetics (formerly Invitae), Labcorp
Classification: Likely benign for Juvenile polyposis syndrome. Last evaluated: 2026-02-03. Review status: criteria provided, single submitter. Criteria: Invitae Variant Classification Sherloc (09022015). Collection method: clinical testing. Allele origin: germline.

Center for Genomic Medicine, Rigshospitalet, Copenhagen University Hospital
Classification: Likely benign. Last evaluated: 2025-12-29. Review status: criteria provided, single submitter. Criteria: ACMG Guidelines, 2015. Collection method: clinical testing. Allele origin: germline.

Myriad Genetics, Inc.
Classification: Benign for Juvenile polyposis/hereditary hemorrhagic telangiectasia syndrome. Last evaluated: 2025-03-24. Review status: criteria provided, single submitter. Criteria: Myriad Autosomal Dominant, Autosomal Recessive and X-Linked Classification Criteria (2023). Collection method: clinical testing. Allele origin: unknown.
Comment: This variant is considered benign. This variant is a silent/synonymous amino acid change and it is not expected to impact splicing.

Blueprint Genetics
Classification: Likely benign. Last evaluated: 2024-02-28. Review status: criteria provided, single submitter. Criteria: ACMG Guidelines, 2015. Collection method: clinical testing. Allele origin: germline.

All of Us Research Program, National Institutes of Health
Classification: Likely benign for Juvenile polyposis/hereditary hemorrhagic telangiectasia syndrome. Last evaluated: 2023-12-01. Review status: criteria provided, single submitter. Criteria: ACMG Guidelines, 2015. Collection method: clinical testing. Allele origin: germline. Inheritance: Autosomal dominant inheritance. Observed: 9 variant alleles, 9 heterozygotes.
Comment: This study involves interpretation of variants in research participants for the purpose of population health screening. Participant phenotype was not available at the time of variant classification. Additional details can be found in publication PMID: 35346344, PMCID: PMC8962531

Sema4
Classification: Likely benign for Hereditary cancer-predisposing syndrome. Last evaluated: 2020-08-31. Review status: criteria provided, single submitter. Criteria: Sema4 Curation Guidelines. Collection method: curation. Allele origin: germline.

Quest Diagnostics Nichols Institute San Juan Capistrano
Classification: Benign. Last evaluated: 2017-11-17. Review status: criteria provided, single submitter. Criteria: Quest Diagnostics criteria. Collection method: clinical testing. Allele origin: germline.

ARUP Laboratories, Molecular Genetics and Genomics, ARUP Laboratories
Classification: Likely benign. Last evaluated: 2017-08-25. Review status: criteria provided, single submitter. Criteria: ARUP Molecular Germline Variant Investigation Process. Collection method: clinical testing. Allele origin: germline.
Comment: The SMAD4 c.1647A>G;p.Gln549Gln variant is listed as likely benign in the ClinVar database (Variation ID: 231980). The variant is listed in the dbSNP variant database (rs113545983) with an allele frequency of 0.0154 percent (2/13004 alleles) in the Exome Variant Server and 0.002849 percent (7/245724 alleles) in the Genome Aggregation Database. The nucleotide at this position is weakly conserved across species and computational algorithms (SpliceSiteFinder-like, MaxEntScan, NNSplice, GeneSplicer, Human Splicing Finder) predict this variant will not alter splicing. One publication indicated that this variant may be associated with poor prognosis in pancreatic cancer, but is not necessarily causative for cancer (Javle 2014). Considering available information, this variant is classified as likely benign. References: Javle M et al. Biomarkers of TGF-ÃŸ signaling pathway and prognosis of pancreatic cancer. PLoS One. 2014 Jan 20;9(1):e85942.

Women's Health and Genetics/Laboratory Corporation of America, LabCorp
Classification: Benign. Last evaluated: 2017-06-26. Review status: criteria provided, single submitter. Criteria: LabCorp Variant Classification Summary - May 2015. Collection method: clinical testing. Allele origin: germline.
Comment: Variant summary: The c.1647A>G (p.Gln549=) in SMAD4 gene is a synonymous change that involves a non-conserved nucleotide. 4/5 programs in Alamut predict that this variant does not affect the normal splicing, however no functional studies supporting this notion were published at the time of evaluation. The variant is present in the control population datasets of ExAC and gnomAD at a similar frequencies 0.000028 (3/120978 and 7/245724 chrs tested, respectively). However, the possibility of the variant to be derived from pseudogene cannot be completely ruled out. The variant has not, to our knowledge, been reported in affected individuals via published reports but is cited as Benign/Likely Benign by reputable databases/clinical laboratories. Taking together, the variant was classified as Benign.

PreventionGenetics, part of Exact Sciences
Classification: Likely benign. Last evaluated: 2017-06-21. Review status: criteria provided, single submitter. Criteria: ACMG Guidelines, 2015. Collection method: clinical testing. Allele origin: germline.

Color Diagnostics, LLC DBA Color Health
Classification: Likely benign for Hereditary cancer-predisposing syndrome. Last evaluated: 2016-10-09. Review status: criteria provided, single submitter. Criteria: ACMG Guidelines, 2015. Collection method: clinical testing. Allele origin: germline.

GeneDx
Classification: Benign. Last evaluated: 2015-07-31. Review status: criteria provided, single submitter. Criteria: GeneDx Variant Classification (06012015). Collection method: clinical testing. Allele origin: germline. Affected: yes.
Comment: This variant is considered likely benign or benign based on one or more of the following criteria: it is a conservative change, it occurs at a poorly conserved position in the protein, it is predicted to be benign by multiple in silico algorithms, and/or has population frequency not consistent with disease.

Ambry Genetics
Classification: Likely benign for Hereditary cancer-predisposing syndrome; Familial thoracic aortic aneurysm and aortic dissection. Last evaluated: 2015-06-02. Review status: criteria provided, single submitter. Criteria: Ambry Variant Classification Scheme 2023. Collection method: clinical testing. Allele origin: germline.